The following is an entry in ClinVar:

NM_000350.3(ABCA4):c.6722T>C (p.Leu2241Pro)

Gene: ABCA4 (ATP binding cassette subfamily A member 4; minus strand). Cytogenetic location: 1p22.1.
Variant type: single nucleotide variant.
Coding change: c.6722T>C on transcript NM_000350.3 (MANE Select); coding-DNA position 6722, T replaced by C.
Protein change: p.Leu2241Pro; replaces leucine 2241 with proline.
Molecular consequence: missense variant.
Genome position (GRCh38, 1-based): chr1:93,997,868, A>G on the plus strand (T>C on the coding strand, the complement: ABCA4 is on the minus strand). VCF-style: chr1-93997868-A-G. GRCh37 (hg19) VCF-style: chr1-94463424-A-G.
Other names: NM_000350.3(ABCA4):c.6722T>C; p.Leu2241Pro; c.6500T>C, p.Leu2167Pro (NM_001425324.1); short protein forms L2241P, L2167P.
Identifiers: ClinVar variation 836905 (VCV000836905.9), dbSNP rs1659051255, ClinGen allele CA341276236.

ClinVar aggregate classification (germline): Pathogenic. Review status: reviewed by expert panel (3 of 4 stars). 2 submissions from 2 submitters: Pathogenic (1). 1 of the submissions does not count toward it. Last evaluated 2025-12-05.

Conditions:
ABCA4-related retinopathy. Also called: ABCA4-related retinoapthy; ABCA4 retinoapthy. Identifiers: MedGen CN322612, MONDO:0800406.

Allele frequency attached by ClinVar (database versions not stated): TOPMed below 0.00001.

Submissions (2):

ClinGen ABCA4 Variant Curation Expert Panel, Clingen
Classification: Pathogenic for ABCA4-related retinopathy. Last evaluated: 2025-12-05. Review status: reviewed by expert panel. Criteria: ClinGen ABCA4 ACMG Specifications V1.0.0. Collection method: curation. Allele origin: germline. Inheritance: Autosomal recessive inheritance.
Comment: The NM_000350.3(ABCA4):c.6722T>C variant in ABCA4 is a missense variant predicted to cause substitution of leucine by proline at amino acid 2441 (p.Leu2241Pro). This variant is absent from gnomAD v4.1.0 (PM2_Supporting). The prevalence of the variant in affected individuals is significantly increased compared with the prevalence in controls. The odds ratio is infinity and the confidence interval is 2.24 to infinity, which is above the ABCA4 VCEP threshold of >5, where the confidence interval does not contain 1 (PS4; PMID: 35120629). The computational predictor REVEL gives a score of 0.869 which is above the threshold of >0.772, evidence that predicts a damaging effect on ABCA4 function (PP3_Moderate). At least one proband meets the ABCA4-related retinopathy phenotype criteria (PP4, PMID: 30563929). This variant has been detected in at least two individuals with ABCA4-related retinopathy who were compound heterozygous for the variant and a pathogenic variant, as confirmed in trans by NGS and Sanger sequencing (PM3_Strong, PMID: 33261146). In summary, this variant meets the criteria to be classified as pathogenic for ABCA4-related retinopathy based on the ACMG/AMP criteria applied, as specified by the ClinGen ABCA4 VCEP (Specification Version 1): PM3_Strong, PS4, PP3_Moderate, PP4, PM2_Supporting.

Labcorp Genetics (formerly Invitae), Labcorp
Classification: Pathogenic. Last evaluated: 2022-10-04. Review status: criteria provided, single submitter. Criteria: Invitae Variant Classification Sherloc (09022015). Collection method: clinical testing. Allele origin: germline. Not counted in ClinVar's aggregate classification.
Comment: For these reasons, this variant has been classified as Pathogenic. This variant disrupts the p.Leu2241 amino acid residue in ABCA4. Other variant(s) that disrupt this residue have been determined to be pathogenic (PMID: 29925512; Invitae). This suggests that this residue is clinically significant, and that variants that disrupt this residue are likely to be disease-causing. Advanced modeling of protein sequence and biophysical properties (such as structural, functional, and spatial information, amino acid conservation, physicochemical variation, residue mobility, and thermodynamic stability) performed at Invitae indicates that this missense variant is expected to disrupt ABCA4 protein function. ClinVar contains an entry for this variant (Variation ID: 836905). This missense change has been observed in individual(s) with retinitis pigmentosa and/or Stargardt disease (PMID: 30563929, 33261146). This variant is not present in population databases (gnomAD no frequency). This sequence change replaces leucine, which is neutral and non-polar, with proline, which is neutral and non-polar, at codon 2241 of the ABCA4 protein (p.Leu2241Pro).

Literature cited by the submitters: PubMed 29925512 (cited by Labcorp Genetics (formerly Invitae), Labcorp); PubMed 30563929 (cited by Labcorp Genetics (formerly Invitae), Labcorp); PubMed 33261146 (cited by Labcorp Genetics (formerly Invitae), Labcorp).